The following is an entry in ClinVar:

NM_004813.4(PEX16):c.451C>T (p.Gln151Ter)

Gene: PEX16 (peroxisomal biogenesis factor 16; minus strand). Cytogenetic location: 11p11.2.
Variant type: single nucleotide variant.
Coding change: c.451C>T on transcript NM_004813.4 (MANE Select); coding-DNA position 451, C replaced by T.
Protein change: p.Gln151Ter; replaces glutamine 151 with a stop codon.
Molecular consequence: nonsense.
Genome position (GRCh38, 1-based): chr11:45,915,477, G>A on the plus strand (C>T on the coding strand, the complement: PEX16 is on the minus strand). VCF-style: chr11-45915477-G-A. GRCh37 (hg19) VCF-style: chr11-45937028-G-A.
Other names: c.451C>T, p.Gln151Ter (NM_057174.3); short protein forms Q151*.
Identifiers: ClinVar variation 1456790 (VCV001456790.9), dbSNP rs1218545995, ClinGen allele CA380228186.

ClinVar aggregate classification (germline): Pathogenic (1 of 4 stars; one submission).

Conditions:
Peroxisome biogenesis disorder. Identifiers: Orphanet 79189, MedGen C1832200, MONDO:0019234. Disease mechanism: loss of function.

Allele frequency attached by ClinVar (database versions not stated): gnomAD exomes below 0.00001; gnomAD 0.00001; TOPMed 0.00002.

Submission:

Labcorp Genetics (formerly Invitae), Labcorp
Classification: Pathogenic for Peroxisome biogenesis disorder. Last evaluated: 2025-11-23. Review status: criteria provided, single submitter. Criteria: Invitae Variant Classification Sherloc (09022015). Collection method: clinical testing. Allele origin: germline.
Comment: This sequence change creates a premature translational stop signal (p.Gln151*) in the PEX16 gene. It is expected to result in an absent or disrupted protein product. Loss-of-function variants in PEX16 are known to be pathogenic (PMID: 9837814, 11890679, 20647552, 20681997). This variant is present in population databases (no rsID available, gnomAD 0.003%). This variant has not been reported in the literature in individuals affected with PEX16-related conditions. ClinVar contains an entry for this variant (Variation ID: 1456790). Algorithms developed to predict the effect of sequence changes on RNA splicing suggest that this variant may disrupt the consensus splice site. For these reasons, this variant has been classified as Pathogenic.

Literature cited by the submitters: PubMed 9837814; PubMed 11890679; PubMed 20647552; PubMed 20681997.